The following is an entry in ClinVar:

ClinVar aggregate classification (germline): Likely benign (1 of 4 stars; one submission).

Allele frequency attached by ClinVar (database versions not stated): 1000 Genomes Project 0.00339; 1000 Genomes Project 30x 0.00390; gnomAD 0.00544 and 0.00592; TOPMed 0.00621.
gnomAD v4.1: 822 of 152,320 alleles (0.54%); highest among the groups gnomAD compares: African/African-American, 1.9%; 11 homozygotes.

Submission:

GeneDx
Classification: Likely benign. Last evaluated: 2018-06-12. Review status: criteria provided, single submitter. Criteria: GeneDx Variant Classification (06012015). Collection method: clinical testing. Allele origin: germline. Affected: yes.
Comment: This variant is considered likely benign or benign based on one or more of the following criteria: it is a conservative change, it occurs at a poorly conserved position in the protein, it is predicted to be benign by multiple in silico algorithms, and/or has population frequency not consistent with disease.

NM_020975.6(RET):c.338-201C>G

Gene: RET (ret proto-oncogene; plus strand). Cytogenetic location: 10q11.21.
Variant type: single nucleotide variant.
Coding change: c.338-201C>G on transcript NM_020975.6 (MANE Select); 201 bases into the intron before coding-DNA position 338, C replaced by G.
Molecular consequence: intron variant.
Genome position (GRCh38, 1-based): chr10:43,102,141, C>G. VCF-style: chr10-43102141-C-G. GRCh37 (hg19) VCF-style: chr10-43597589-C-G.
Other names: c.338-201C>G (NM_020630.7, NM_001406743.1, NM_001406744.1 and 14 more transcripts); c.338-330C>G (NM_001406764.1, NM_001406762.1, NM_001406761.1 and 4 more transcripts); c.337+1419C>G (NM_001406770.1, NM_001406766.1, NM_001406767.1 and 8 more transcripts); c.74-6890C>G (NM_001406784.1); c.74-9958C>G (NM_001406794.1, NM_001406792.1, NM_001406793.1).
Identifiers: ClinVar variation 676909 (VCV000676909.3), dbSNP rs112976896, ClinGen allele CA206713287.
Genomic context (GRCh38, chr10:43,102,141, plus strand): 5'-TCAACACACCTCCCTGAGGAAGGGGCCTCTAAGCCAAGAACTGAATGATGAGAGCTAGGC[C>G]TGTGGGGCATTGGTGCTGGGCAGCAGGGCTGTGCAGCAGAGGTAAGGAGGTGGCAGGCAG-3'